The following is an entry in ClinVar:

ClinVar aggregate classification (germline): Uncertain significance (1 of 4 stars; one submission).

Submission:

Labcorp Genetics (formerly Invitae), Labcorp
Classification: Uncertain significance. Last evaluated: 2021-12-09. Review status: criteria provided, single submitter. Criteria: Invitae Variant Classification Sherloc (09022015). Collection method: clinical testing. Allele origin: germline.
Comment: In summary, the available evidence is currently insufficient to determine the role of this variant in disease. Therefore, it has been classified as a Variant of Uncertain Significance. Algorithms developed to predict the effect of missense changes on protein structure and function (SIFT, PolyPhen-2, Align-GVGD) all suggest that this variant is likely to be tolerated. This variant has not been reported in the literature in individuals affected with PPA2-related conditions. This variant is not present in population databases (gnomAD no frequency). This sequence change replaces valine, which is neutral and non-polar, with leucine, which is neutral and non-polar, at codon 328 of the PPA2 protein (p.Val328Leu).

NM_176869.3(PPA2):c.982G>C (p.Val328Leu)

Gene: PPA2 (inorganic pyrophosphatase 2; minus strand). Cytogenetic location: 4q24.
Variant type: single nucleotide variant.
Coding change: c.982G>C on transcript NM_176869.3 (MANE Select); coding-DNA position 982, G replaced by C.
Protein change: p.Val328Leu; replaces valine 328 with leucine.
Molecular consequence: missense variant.
Genome position (GRCh38, 1-based): chr4:105,369,748, C>G on the plus strand (G>C on the coding strand, the complement: PPA2 is on the minus strand). VCF-style: chr4-105369748-C-G. GRCh37 (hg19) VCF-style: chr4-106290905-C-G.
Other names: c.895G>C, p.Val299Leu (NM_006903.4); c.676G>C, p.Val226Leu (NM_176866.2); c.484G>C, p.Val162Leu (NM_176867.3); short protein forms V299L, V162L, V226L, V328L.
Identifiers: ClinVar variation 2038918 (VCV002038918.4), dbSNP rs1425488238, ClinGen allele CA357787449.
Genomic context (GRCh38, chr4:105,369,748, plus strand): 5'-GATGGGAATCTTGACAGCAGAATTTCAGATGTTTCAATCACTTGCCAAGGAAGTGCCACA[C>G]TTGCTCTGCATTTAAAATGGGGAAAGAGGGTATTAGGGAAGGGATAAGAGGAGGGAGAAG-3'
Protein context (NP_789845.1, residues 318-334): PNKESNEEEQ[Val328Leu]WHFLGK